The following is an entry in ClinVar:

ClinVar aggregate classification (germline): Conflicting classifications of pathogenicity. Review status: criteria provided, conflicting classifications (1 of 4 stars). 2 submissions from 2 submitters: Uncertain significance (1); Likely benign (1). Last evaluated 2022-11-10.

Conditions:
Cardiovascular phenotype. Identifiers: MedGen CN230736.
Dilated cardiomyopathy 1DD (CMD1DD). Identifiers: Orphanet 154, MedGen C2750995, MONDO:0013168, OMIM 613172.

Allele frequency attached by ClinVar (database versions not stated): TOPMed below 0.00001.

Submissions (2):

Ambry Genetics
Classification: Likely benign for Cardiovascular phenotype. Last evaluated: 2022-11-10. Review status: criteria provided, single submitter. Criteria: Ambry Variant Classification Scheme 2023. Collection method: clinical testing. Allele origin: germline.

Labcorp Genetics (formerly Invitae), Labcorp
Classification: Uncertain significance for Dilated cardiomyopathy 1DD. Last evaluated: 2022-07-03. Review status: criteria provided, single submitter. Criteria: Invitae Variant Classification Sherloc (09022015). Collection method: clinical testing. Allele origin: germline.
Comment: This sequence change affects codon 86 of the RBM20 mRNA. It is a 'silent' change, meaning that it does not change the encoded amino acid sequence of the RBM20 protein. In summary, the available evidence is currently insufficient to determine the role of this variant in disease. Therefore, it has been classified as a Variant of Uncertain Significance. Algorithms developed to predict the effect of sequence changes on RNA splicing suggest that this variant may disrupt the consensus splice site. This variant has not been reported in the literature in individuals affected with RBM20-related conditions. This variant is not present in population databases (gnomAD no frequency).

NM_001134363.3(RBM20):c.258T>G (p.Pro86=)

Gene: RBM20 (RNA binding motif protein 20; plus strand). Cytogenetic location: 10q25.2.
Variant type: single nucleotide variant.
Coding change: c.258T>G on transcript NM_001134363.3 (MANE Select); coding-DNA position 258, T replaced by G.
Protein change: p.Pro86=; no amino-acid change (proline 86 retained).
Molecular consequence: synonymous variant.
Genome position (GRCh38, 1-based): chr10:110,780,867, T>G. VCF-style: chr10-110780867-T-G. GRCh37 (hg19) VCF-style: chr10-112540625-T-G.
Identifiers: ClinVar variation 1989750 (VCV001989750.6), dbSNP rs1844328920, ClinGen allele CA471506591.
Genomic context (GRCh38, chr10:110,780,867, plus strand): 5'-CAAGCTCCTGGACAAGAACCCATTCTCGGTCAGTAACCCGAACCCTCTGCTTCCTTCACC[T>G]GCCAGTCTCCAGCTGGCTCAACTGCAGGCCCAGCTCACCCTCCACCGGCTGAAGCTGGCA-3'
Protein context (NP_001127835.2, residues 76-96): VSNPNPLLPS[Pro86=]ASLQLAQLQA